The following is an entry in ClinVar:

NM_000463.3(UGT1A1):c.865-804A>G

Genes: UGT1A (UDP glucuronosyltransferase family 1 member A complex locus; plus strand), UGT1A1 (UDP glucuronosyltransferase family 1 member A1; plus strand), UGT1A10 (UDP glucuronosyltransferase family 1 member A10; plus strand), UGT1A3 (UDP glucuronosyltransferase family 1 member A3; plus strand), UGT1A4 (UDP glucuronosyltransferase family 1 member A4; plus strand) and 5 more. Cytogenetic location: 2q37.1.
Variant type: single nucleotide variant.
Coding change: c.865-804A>G on transcript NM_000463.3 (MANE Select); 804 bases into the intron before coding-DNA position 865, A replaced by G.
Molecular consequence: intron variant.
Genome position (GRCh38, 1-based): chr2:233,766,230, A>G. VCF-style: chr2-233766230-A-G. GRCh37 (hg19) VCF-style: chr2-234674876-A-G.
Other names: c.856-804A>G (NM_019076.5, NM_019075.4, NM_021027.3 and 1 more transcripts); c.61-804A>G (NM_205862.3); c.862-804A>G (NM_001072.4); c.868-804A>G (NM_019078.2, NM_007120.3, NM_019093.4).
Identifiers: ClinVar variation 4994142 (VCV004994142.1).

ClinVar aggregate classification (germline): Likely benign (1 of 4 stars; one submission).

Conditions:
UGT1A1-related disorder. Also called: UGT1A1-related disorders; UGT1A1-related condition.

Submission:

PreventionGenetics, part of Exact Sciences
Classification: Likely benign for UGT1A1-related condition. Last evaluated: 2025-12-03. Review status: criteria provided, single submitter. Criteria: ACMG Guidelines, 2015. Collection method: clinical testing. Allele origin: germline.
Comment: This variant is classified as likely benign based on ACMG/AMP sequence variant interpretation guidelines (Richards et al. 2015 PMID: 25741868, with internal and published modifications).